The following is an entry in ClinVar:

ClinVar aggregate classification (germline): Pathogenic/Likely pathogenic. Review status: criteria provided, multiple submitters, no conflicts (2 of 4 stars). 3 submissions from 3 submitters: Pathogenic (2); Likely pathogenic (1). Last evaluated 2023-10-22.

Conditions:
Xeroderma pigmentosum group A (XPA). Also called: Xeroderma pigmentosum, complementation group A; XP, group A; XPA-Related Xeroderma Pigmentosum. Identifiers: Orphanet 910, MedGen C0268135, MONDO:0010210, OMIM 278700.

Allele frequency attached by ClinVar (database versions not stated): gnomAD exomes below 0.00001; TOPMed below 0.00001; ExAC 0.00001; gnomAD 0.00001.

Submissions (3):

Baylor Genetics
Classification: Likely pathogenic for Xeroderma pigmentosum group A. Last evaluated: 2023-10-22. Review status: criteria provided, single submitter. Criteria: ACMG Guidelines, 2015. Collection method: clinical testing. Allele origin: unknown.

CeGaT Center for Human Genetics Tuebingen
Classification: Pathogenic. Last evaluated: 2023-07-01. Review status: criteria provided, single submitter. Criteria: CeGaT Center For Human Genetics Tuebingen Variant Classification Criteria Version 2. Collection method: clinical testing. Allele origin: germline. Affected: yes. Observed: 4 variant alleles.
Comment: XPA: PVS1, PM2, PP1

Labcorp Genetics (formerly Invitae), Labcorp
Classification: Pathogenic. Last evaluated: 2020-08-14. Review status: criteria provided, single submitter. Criteria: Invitae Variant Classification Sherloc (09022015). Collection method: clinical testing. Allele origin: germline.
Comment: This sequence change creates a premature translational stop signal (p.Lys183*) in the XPA gene. It is expected to result in an absent or disrupted protein product. The frequency data for this variant in the population databases is considered unreliable, as metrics indicate poor data quality at this position in the ExAC database. For these reasons, this variant has been classified as Pathogenic. Loss-of-function variants in XPA are known to be pathogenic (PMID: 27607234). This variant has not been reported in the literature in individuals with XPA-related conditions.

Literature cited by the submitters: PubMed 27607234 (cited by Labcorp Genetics (formerly Invitae), Labcorp).

NM_000380.4(XPA):c.545_546dup (p.Lys183Ter)

Gene: XPA (XPA, DNA damage recognition and repair factor; minus strand). Cytogenetic location: 9q22.33.
Variant type: Duplication.
Coding change: c.545_546dup on transcript NM_000380.4 (MANE Select); coding-DNA positions 545 to 546, 2 bases duplicated (TA; older notation c.545_546dupTA).
Protein change: p.Lys183Ter; replaces lysine 183 with a stop codon.
Molecular consequence: nonsense. On other transcripts: non-coding transcript variant (4).
Genome position (GRCh38, 1-based): chr9:97,687,105-97,687,106, TA duplicated on the plus strand (TA on the coding strand, the reverse complement: XPA is on the minus strand). VCF-style (leftmost placement, unchanged base first): chr9-97687104-T-TTA. GRCh37 (hg19) VCF-style: chr9-100449386-T-TTA.
Other names: c.419_420dup, p.Lys141Ter (NM_001354975.2); short protein forms K141*, K183*.
Identifiers: ClinVar variation 1012622 (VCV001012622.45), dbSNP rs757098056, ClinGen allele CA5148806.